The following is an entry in ClinVar:

ClinVar aggregate classification (germline): Uncertain significance (1 of 4 stars; one submission).

gnomAD v4.1: 23 of 1,613,932 alleles (0.0014%); highest among the groups gnomAD compares: Non-Finnish European, 0.0019%; no homozygotes.

Submission:

GeneDx
Classification: Uncertain significance. Last evaluated: 2024-10-10. Review status: criteria provided, single submitter. Criteria: GeneDx Variant Classification Process June 2021. Collection method: clinical testing. Allele origin: germline. Affected: yes.
Comment: In silico analysis indicates that this missense variant does not alter protein structure/function; Has not been previously published as pathogenic or benign to our knowledge

NM_001042603.3(KDM5A):c.4258C>A (p.Pro1420Thr)

Gene: KDM5A (lysine demethylase 5A; minus strand). Cytogenetic location: 12p13.33.
Variant type: single nucleotide variant.
Coding change: c.4258C>A on transcript NM_001042603.3 (MANE Select); coding-DNA position 4258, C replaced by A.
Protein change: p.Pro1420Thr; replaces proline 1420 with threonine.
Molecular consequence: missense variant.
Genome position (GRCh38, 1-based): chr12:295,770, G>T on the plus strand (C>A on the coding strand, the complement: KDM5A is on the minus strand). VCF-style: chr12-295770-G-T. GRCh37 (hg19) VCF-style: chr12-404936-G-T.
Other names: short protein forms P1420T.
Identifiers: ClinVar variation 3781071 (VCV003781071.1).